The following is an entry in ClinVar:

ClinVar aggregate classification (germline): Uncertain significance. Review status: criteria provided, multiple submitters, no conflicts (2 of 4 stars). 2 submissions from 2 submitters: Uncertain significance (2). Last evaluated 2026-07-14.

Conditions:
Inborn genetic diseases. Identifiers: MedGen C0950123, MeSH D030342.
EP300-related disorder. Also called: EP300-related disorders; EP300-related condition.

Allele frequency attached by ClinVar (database versions not stated): TOPMed below 0.00001.
gnomAD v4.1: 4 of 1,613,900 alleles (0.00025%); highest among the groups gnomAD compares: Non-Finnish European, 0.00025%; no homozygotes.

Submissions (2):

PreventionGenetics, part of Exact Sciences
Classification: Uncertain significance for EP300-related condition. Last evaluated: 2026-07-14. Review status: criteria provided, single submitter. Criteria: ACMG Guidelines, 2015. Collection method: clinical testing. Allele origin: germline.
Comment: The EP300 c.2512C>G variant is predicted to result in the amino acid substitution p.Arg838Gly. To our knowledge, this variant has not been reported in the literature. This variant is reported in 0.0065% of alleles in individuals of European (Non-Finnish) descent in gnomAD. At this time, the clinical significance of this variant is uncertain due to the absence of conclusive functional and genetic evidence.

Ambry Genetics
Classification: Uncertain significance for Inborn genetic diseases. Last evaluated: 2022-10-06. Review status: criteria provided, single submitter. Criteria: Ambry Variant Classification Scheme 2023. Collection method: clinical testing. Allele origin: germline.

NM_001429.4(EP300):c.2512C>G (p.Arg838Gly)

Gene: EP300 (EP300 lysine acetyltransferase; plus strand). Cytogenetic location: 22q13.2.
Variant type: single nucleotide variant.
Coding change: c.2512C>G on transcript NM_001429.4 (MANE Select); coding-DNA position 2512, C replaced by G.
Protein change: p.Arg838Gly; replaces arginine 838 with glycine.
Molecular consequence: missense variant.
Genome position (GRCh38, 1-based): chr22:41,149,893, C>G. VCF-style: chr22-41149893-C-G. GRCh37 (hg19) VCF-style: chr22-41545897-C-G.
Other names: c.2434C>G, p.Arg812Gly (NM_001362843.2); short protein forms R838G, R812G.
Identifiers: ClinVar variation 2317266 (VCV002317266.3), dbSNP rs1215000818, ClinGen allele CA411691446.